The following is an entry in ClinVar:

NM_001010874.5(TECRL):c.176A>C (p.His59Pro)

Gene: TECRL (trans-2,3-enoyl-CoA reductase like; minus strand). Cytogenetic location: 4q13.1.
Variant type: single nucleotide variant.
Coding change: c.176A>C on transcript NM_001010874.5 (MANE Select); coding-DNA position 176, A replaced by C.
Protein change: p.His59Pro; replaces histidine 59 with proline.
Molecular consequence: missense variant.
Genome position (GRCh38, 1-based): chr4:64,409,176, T>G on the plus strand (A>C on the coding strand, the complement: TECRL is on the minus strand). VCF-style: chr4-64409176-T-G. GRCh37 (hg19) VCF-style: chr4-65274894-T-G.
Other names: c.176A>C, p.His59Pro (NM_001363796.1); short protein forms H59P.
Identifiers: ClinVar variation 4615095 (VCV004615095.1).

ClinVar aggregate classification (germline): Uncertain significance (1 of 4 stars; one submission).

Conditions:
Cardiovascular phenotype. Identifiers: MedGen CN230736.

Submission:

Ambry Genetics
Classification: Uncertain significance for Cardiovascular phenotype. Last evaluated: 2025-10-23. Review status: criteria provided, single submitter. Criteria: Ambry Variant Classification Scheme 2023. Collection method: clinical testing. Allele origin: germline.
Comment: The p.H59P variant (also known as c.176A>C), located in coding exon 1 of the TECRL gene, results from an A to C substitution at nucleotide position 176. The histidine at codon 59 is replaced by proline, an amino acid with similar properties. This amino acid position is conserved. In addition, this alteration is predicted to be tolerated by in silico analysis. Based on the available evidence, the clinical significance of this variant remains unclear.